The following is an entry in ClinVar:

NM_001144967.3(NEDD4L):c.2089C>T (p.Pro697Ser)

Gene: NEDD4L (NEDD4 like E3 ubiquitin protein ligase; plus strand). Cytogenetic location: 18q21.31.
Variant type: single nucleotide variant.
Coding change: c.2089C>T on transcript NM_001144967.3 (MANE Select); coding-DNA position 2089, C replaced by T.
Protein change: p.Pro697Ser; replaces proline 697 with serine.
Molecular consequence: missense variant.
Genome position (GRCh38, 1-based): chr18:58,367,771, C>T. VCF-style: chr18-58367771-C-T. GRCh37 (hg19) VCF-style: chr18-56035003-C-T.
Other names: c.1726C>T, p.Pro576Ser (NM_001144964.1, NM_001144965.2, NM_001144966.3); c.2065C>T, p.Pro689Ser (NM_001144968.2); c.2005C>T, p.Pro669Ser (NM_001144969.2); c.1666C>T, p.Pro556Ser (NM_001144970.3, NM_001144971.2); c.1897C>T, p.Pro633Ser (NM_001243960.2); c.2029C>T, p.Pro677Ser (NM_015277.6); short protein forms P556S, P576S, P633S, P669S, P677S, P689S, P697S.
Identifiers: ClinVar variation 3774208 (VCV003774208.1).

ClinVar aggregate classification (germline): Uncertain significance (1 of 4 stars; one submission).

Submission:

GeneDx
Classification: Uncertain significance. Last evaluated: 2024-09-18. Review status: criteria provided, single submitter. Criteria: GeneDx Variant Classification Process June 2021. Collection method: clinical testing. Allele origin: germline. Affected: yes.
Comment: Not observed at significant frequency in large population cohorts (gnomAD); In silico analysis supports that this missense variant has a deleterious effect on protein structure/function; Has not been previously published as pathogenic or benign to our knowledge